The following is an entry in ClinVar:

NM_001371928.1(AHDC1):c.2726C>A (p.Pro909His)

Gene: AHDC1 (AT-hook DNA binding motif containing 1; minus strand). Cytogenetic location: 1p36.11.
Variant type: single nucleotide variant.
Coding change: c.2726C>A on transcript NM_001371928.1 (MANE Select); coding-DNA position 2726, C replaced by A.
Protein change: p.Pro909His; replaces proline 909 with histidine.
Molecular consequence: missense variant.
Genome position (GRCh38, 1-based): chr1:27,549,390, G>T on the plus strand (C>A on the coding strand, the complement: AHDC1 is on the minus strand). VCF-style: chr1-27549390-G-T. GRCh37 (hg19) VCF-style: chr1-27875901-G-T.
Other names: c.2726C>A, p.Pro909His (NM_001029882.3); short protein forms P909H.
Identifiers: ClinVar variation 2887700 (VCV002887700.3), dbSNP rs776465786, ClinGen allele CA715711.

ClinVar aggregate classification (germline): Uncertain significance (1 of 4 stars; one submission).

gnomAD v4.1: 13 of 1,612,896 alleles (0.00081%); highest among the groups gnomAD compares: African/African-American, 0.016%; no homozygotes.

Submission:

Labcorp Genetics (formerly Invitae), Labcorp
Classification: Uncertain significance. Last evaluated: 2023-06-03. Review status: criteria provided, single submitter. Criteria: Invitae Variant Classification Sherloc (09022015). Collection method: clinical testing. Allele origin: germline.
Comment: In summary, the available evidence is currently insufficient to determine the role of this variant in disease. Therefore, it has been classified as a Variant of Uncertain Significance. An algorithm developed to predict the effect of missense changes on protein structure and function (PolyPhen-2) suggests that this variant is likely to be disruptive. This variant has not been reported in the literature in individuals affected with AHDC1-related conditions. This variant is present in population databases (rs776465786, gnomAD 0.03%). This sequence change replaces proline, which is neutral and non-polar, with histidine, which is basic and polar, at codon 909 of the AHDC1 protein (p.Pro909His).